The following is an entry in ClinVar:

NM_005708.5(GPC6):c.*1675C>T

Gene: GPC6 (glypican 6; plus strand). Cytogenetic location: 13q32.1.
Variant type: single nucleotide variant.
Coding change: c.*1675C>T on transcript NM_005708.5 (MANE Select); 1675 bases downstream of the stop codon, C replaced by T.
Molecular consequence: 3 prime UTR variant.
Genome position (GRCh38, 1-based): chr13:94,404,892, C>T. VCF-style: chr13-94404892-C-T. GRCh37 (hg19) VCF-style: chr13-95057146-C-T.
Identifiers: ClinVar variation 312586 (VCV000312586.5), dbSNP rs114974584, ClinGen allele CA10643788.

ClinVar aggregate classification (germline): Benign (1 of 4 stars; one submission).

Conditions:
Autosomal recessive omodysplasia (OMOD1). Also called: MICROMELIC DYSPLASIA, CONGENITAL, WITH DISLOCATION OF RADIUS. Identifiers: Orphanet 2733, Orphanet 93329, MedGen C1850318, MONDO:0009779, OMIM 258315.

Allele frequency attached by ClinVar (database versions not stated): gnomAD 0.00564 and 0.00599; 1000 Genomes Project 0.00579; TOPMed 0.00608; 1000 Genomes Project 30x 0.00687.

Submission:

Illumina Laboratory Services, Illumina
Classification: Benign for Autosomal recessive omodysplasia. Last evaluated: 2018-01-12. Review status: criteria provided, single submitter. Criteria: ICSL Variant Classification Criteria 13 December 2019. Collection method: clinical testing. Allele origin: germline.
Comment: This variant was observed in the ICSL laboratory as part of a predisposition screen in an ostensibly healthy population. It had not been previously curated by ICSL or reported in the Human Gene Mutation Database (HGMD: prior to June 1st, 2018), and was therefore a candidate for classification through an automated scoring system. Utilizing variant allele frequency, disease prevalence and penetrance estimates, and inheritance mode, an automated score was calculated to assess if this variant is too frequent to cause the disease. Based on the score and internal cut-off values, a variant classified as benign is not then subjected to further curation. The score for this variant resulted in a classification of benign for this disease.